The following is an entry in ClinVar:

NM_004655.4(AXIN2):c.1541T>A (p.Val514Asp)

Gene: AXIN2 (axin 2; minus strand). Cytogenetic location: 17q24.1.
Variant type: single nucleotide variant.
Coding change: c.1541T>A on transcript NM_004655.4 (MANE Select); coding-DNA position 1541, T replaced by A.
Protein change: p.Val514Asp; replaces valine 514 with aspartic acid.
Molecular consequence: missense variant.
Genome position (GRCh38, 1-based): chr17:65,537,495, A>T on the plus strand (T>A on the coding strand, the complement: AXIN2 is on the minus strand). VCF-style: chr17-65537495-A-T. GRCh37 (hg19) VCF-style: chr17-63533613-A-T.
Other names: c.1541T>A, p.Val514Asp (NM_001363813.1); short protein forms V514D.
Identifiers: ClinVar variation 2560984 (VCV002560984.2), dbSNP rs2144459987, ClinGen allele CA400677303.
Genomic context (GRCh38, chr17:65,537,495, plus strand): 5'-TCCGCCTCGATCTCCTCCTTGGTCTTGGGGACGGCATGGTGGTGGATGTAGTGGTGGTGG[A>T]CATGCTTCGTCGTCTGCTTGGTCACAAAGCCTTTGCCCCCGAGGAGGGGGCAGGCGCCCG-3'
Protein context (NP_004646.3, residues 504-524): GFVTKQTTKH[Val514Asp]HHHYIHHHAV

ClinVar aggregate classification (germline): Uncertain significance (1 of 4 stars; one submission).

Conditions:
Hereditary cancer-predisposing syndrome. Also called: Neoplastic Syndromes, Hereditary; Hereditary Cancer Syndrome; Hereditary neoplastic syndrome; Tumor predisposition. Identifiers: Orphanet 140162, MedGen C0027672, MeSH D009386, MONDO:0015356.

Allele frequency attached by ClinVar (database versions not stated): gnomAD exomes below 0.00001.
gnomAD v4.1: 1 of 1,613,768 alleles (0.000062%); highest among the groups gnomAD compares: Non-Finnish European, 0.000085%; no homozygotes.

Submission:

Ambry Genetics
Classification: Uncertain significance for Hereditary cancer-predisposing syndrome. Last evaluated: 2023-06-05. Review status: criteria provided, single submitter. Criteria: Ambry Variant Classification Scheme 2023. Collection method: clinical testing. Allele origin: germline.
Comment: The p.V514D variant (also known as c.1541T>A), located in coding exon 5 of the AXIN2 gene, results from a T to A substitution at nucleotide position 1541. The valine at codon 514 is replaced by aspartic acid, an amino acid with highly dissimilar properties. This amino acid position is well conserved in available vertebrate species. In addition, the in silico prediction for this alteration is inconclusive. Since supporting evidence is limited at this time, the clinical significance of this alteration remains unclear.